The following is an entry in ClinVar:

NM_021076.4(NEFH):c.760C>T (p.Gln254Ter)

Gene: NEFH (neurofilament heavy chain; plus strand). Cytogenetic location: 22q12.2.
Variant type: single nucleotide variant.
Coding change: c.760C>T on transcript NM_021076.4 (MANE Select); coding-DNA position 760, C replaced by T.
Protein change: p.Gln254Ter; replaces glutamine 254 with a stop codon.
Molecular consequence: nonsense.
Genome position (GRCh38, 1-based): chr22:29,481,022, C>T. VCF-style: chr22-29481022-C-T. GRCh37 (hg19) VCF-style: chr22-29877011-C-T.
Other names: short protein forms Q254*.
Identifiers: ClinVar variation 1382484 (VCV001382484.7), dbSNP rs2146391807, ClinGen allele CA411123957.

ClinVar aggregate classification (germline): Uncertain significance. Review status: criteria provided, multiple submitters, no conflicts (2 of 4 stars). 2 submissions from 2 submitters: Uncertain significance (2). Last evaluated 2023-03-15.

Conditions:
Charcot-Marie-Tooth disease axonal type 2CC. Also called: CHARCOT-MARIE-TOOTH NEUROPATHY, TYPE 2CC. Identifiers: MedGen C4310790, MONDO:0014836, OMIM 616924.

Submissions (2):

Department of Pathology and Laboratory Medicine, Sinai Health System
Classification: Uncertain significance for Charcot-Marie-Tooth disease axonal type 2CC. Last evaluated: 2023-03-15. Review status: criteria provided, single submitter. Criteria: ACMG Guidelines, 2015. Collection method: research. Allele origin: germline.

Labcorp Genetics (formerly Invitae), Labcorp
Classification: Uncertain significance. Last evaluated: 2021-09-20. Review status: criteria provided, single submitter. Criteria: Invitae Variant Classification Sherloc (09022015). Collection method: clinical testing. Allele origin: germline.
Comment: This sequence change creates a premature translational stop signal (p.Gln254*) in the NEFH gene. It is expected to result in an absent or disrupted protein product. However, the current clinical and genetic evidence is not sufficient to establish whether loss-of-function variants in NEFH cause disease. The frequency data for this variant in the population databases is considered unreliable, as metrics indicate insufficient coverage at this position in the ExAC database. This variant has not been reported in the literature in individuals affected with NEFH-related conditions. In summary, the available evidence is currently insufficient to determine the role of this variant in disease. Therefore, it has been classified as a Variant of Uncertain Significance.